The following is an entry in ClinVar:

ClinVar aggregate classification (germline): Uncertain significance. Review status: criteria provided, multiple submitters, no conflicts (2 of 4 stars). 2 submissions from 2 submitters: Uncertain significance (2). Last evaluated 2025-07-30.

Conditions:
Inborn genetic diseases. Identifiers: MedGen C0950123, MeSH D030342.

Allele frequency attached by ClinVar (database versions not stated): ExAC 0.00008; gnomAD 0.00004; gnomAD exomes 0.00004.
gnomAD v4.1: 69 of 1,614,014 alleles (0.0043%); highest among the groups gnomAD compares: South Asian, 0.055%; 1 homozygote.

Submissions (2):

Labcorp Genetics (formerly Invitae), Labcorp
Classification: Uncertain significance. Last evaluated: 2025-07-30. Review status: criteria provided, single submitter. Criteria: Invitae Variant Classification Sherloc (09022015). Collection method: clinical testing. Allele origin: germline.
Comment: This sequence change replaces proline, which is neutral and non-polar, with leucine, which is neutral and non-polar, at codon 570 of the MECOM protein (p.Pro570Leu). This variant is present in population databases (rs757397265, gnomAD 0.07%), and has an allele count higher than expected for a pathogenic variant. This variant has not been reported in the literature in individuals affected with MECOM-related conditions. ClinVar contains an entry for this variant (Variation ID: 2364354). An algorithm developed to predict the effect of missense changes on protein structure and function (PolyPhen-2) suggests that this variant is likely to be tolerated. In summary, the available evidence is currently insufficient to determine the role of this variant in disease. Therefore, it has been classified as a Variant of Uncertain Significance.

Ambry Genetics
Classification: Uncertain significance for Inborn genetic diseases. Last evaluated: 2025-01-05. Review status: criteria provided, single submitter. Criteria: Ambry Variant Classification Scheme 2023. Collection method: clinical testing. Allele origin: germline.
Comment: The p.P758L variant (also known as c.2273C>T), located in coding exon 8 of the MECOM gene, results from a C to T substitution at nucleotide position 2273. The proline at codon 758 is replaced by leucine, an amino acid with similar properties. This amino acid position is conserved. In addition, this alteration is predicted to be tolerated by in silico analysis. Based on the available evidence, the clinical significance of this variant remains unclear.

NM_004991.4(MECOM):c.2273C>T (p.Pro758Leu)

Gene: MECOM (MDS1 and EVI1 complex locus; minus strand). Cytogenetic location: 3q26.2.
Variant type: single nucleotide variant.
Coding change: c.2273C>T on transcript NM_004991.4 (MANE Select); coding-DNA position 2273, C replaced by T.
Protein change: p.Pro758Leu; replaces proline 758 with leucine.
Molecular consequence: missense variant.
Genome position (GRCh38, 1-based): chr3:169,115,599, G>A on the plus strand (C>T on the coding strand, the complement: MECOM is on the minus strand). VCF-style: chr3-169115599-G-A. GRCh37 (hg19) VCF-style: chr3-168833387-G-A.
Other names: c.2273C>T, p.Pro758Leu (NM_001366466.2); c.1712C>T, p.Pro571Leu (NM_001366467.2, NM_001366468.2, NM_001366470.2 and 1 more transcripts); c.1709C>T, p.Pro570Leu (NM_001366469.2, NM_001366471.2, NM_001366472.2 and 4 more transcripts); c.1301C>T, p.Pro434Leu (NM_001366473.2); c.737C>T, p.Pro246Leu (NM_001366474.2); c.1904C>T, p.Pro635Leu (NM_001105077.4); short protein forms P571L, P635L, P246L, P570L, P758L, P434L.
Identifiers: ClinVar variation 2364354 (VCV002364354.7), dbSNP rs757397265, ClinGen allele CA2696214.